The following is an entry in ClinVar:

ClinVar aggregate classification (germline): Uncertain significance (1 of 4 stars; one submission).

gnomAD v4.1: 4 of 1,614,048 alleles (0.00025%); highest among the groups gnomAD compares: African/African-American, 0.004%; no homozygotes.

Submission:

Labcorp Genetics (formerly Invitae), Labcorp
Classification: Uncertain significance. Last evaluated: 2024-01-16. Review status: criteria provided, single submitter. Criteria: Invitae Variant Classification Sherloc (09022015). Collection method: clinical testing. Allele origin: germline.
Comment: This sequence change replaces isoleucine, which is neutral and non-polar, with threonine, which is neutral and polar, at codon 1489 of the ABCC2 protein (p.Ile1489Thr). This variant is not present in population databases (gnomAD no frequency). This variant has not been reported in the literature in individuals affected with ABCC2-related conditions. Advanced modeling of protein sequence and biophysical properties (such as structural, functional, and spatial information, amino acid conservation, physicochemical variation, residue mobility, and thermodynamic stability) performed at Invitae indicates that this missense variant is expected to disrupt ABCC2 protein function with a positive predictive value of 80%. In summary, the available evidence is currently insufficient to determine the role of this variant in disease. Therefore, it has been classified as a Variant of Uncertain Significance.

NM_000392.5(ABCC2):c.4466T>C (p.Ile1489Thr)

Gene: ABCC2 (ATP binding cassette subfamily C member 2; plus strand). Cytogenetic location: 10q24.2.
Variant type: single nucleotide variant.
Coding change: c.4466T>C on transcript NM_000392.5 (MANE Select); coding-DNA position 4466, T replaced by C.
Protein change: p.Ile1489Thr; replaces isoleucine 1489 with threonine.
Molecular consequence: missense variant.
Genome position (GRCh38, 1-based): chr10:99,850,754, T>C. VCF-style: chr10-99850754-T-C. GRCh37 (hg19) VCF-style: chr10-101610511-T-C.
Other names: short protein forms I1489T.
Identifiers: ClinVar variation 2974865 (VCV002974865.1), dbSNP rs779269741, ClinGen allele CA378130229.